The following is an entry in ClinVar:

NM_001561.6(TNFRSF9):c.101-75A>C

Gene: TNFRSF9 (TNF receptor superfamily member 9; minus strand). Cytogenetic location: 1p36.23.
Variant type: single nucleotide variant.
Coding change: c.101-75A>C on transcript NM_001561.6 (MANE Select); 75 bases into the intron before coding-DNA position 101, A replaced by C.
Molecular consequence: intron variant.
Genome position (GRCh38, 1-based): chr1:7,938,903, T>G on the plus strand (A>C on the coding strand, the complement: TNFRSF9 is on the minus strand). VCF-style: chr1-7938903-T-G. GRCh37 (hg19) VCF-style: chr1-7998963-T-G.
Identifiers: ClinVar variation 2688134 (VCV002688134.2), dbSNP rs226476, ClinGen allele CA17275022.

ClinVar aggregate classification (germline): Benign (1 of 4 stars; one submission).

Allele frequency attached by ClinVar (database versions not stated): gnomAD 0.97227; TOPMed 0.97670; 1000 Genomes Project 30x 0.98782; 1000 Genomes Project 0.98802.
gnomAD v4.1: 978,549 of 1,013,220 alleles (97%); highest among the groups gnomAD compares: East Asian, 100%; 472,731 homozygotes.

Submission:

Unidad de Genómica Garrahan, Hospital de Pediatría Garrahan
Classification: Benign. Last evaluated: 2024-01-24. Review status: criteria provided, single submitter. Criteria: ACMG Guidelines, 2015. Collection method: clinical testing. Allele origin: germline. Affected: no. Observed: 45 variant alleles.
Comment: This variant is classified as Benign based on local population frequency. This variant was detected in 47% of patients studied by a panel of primary immunodeficiencies. Number of patients: 45. Only high quality variants are reported.